The following is an entry in ClinVar:

ClinVar aggregate classification (germline): Uncertain significance (1 of 4 stars; one submission).

Conditions:
NSD2-related disorder. Also called: NSD2 related disorders; NSD2-related condition.

Allele frequency attached by ClinVar (database versions not stated): TOPMed below 0.00001; gnomAD 0.00001.
gnomAD v4.1: 25 of 1,612,696 alleles (0.0016%); highest among the groups gnomAD compares: South Asian, 0.0022%; no homozygotes.

Submission:

PreventionGenetics, part of Exact Sciences
Classification: Uncertain significance for NSD2-related condition. Last evaluated: 2026-02-27. Review status: criteria provided, single submitter. Criteria: ACMG Guidelines, 2015. Collection method: clinical testing. Allele origin: germline.
Comment: The NSD2 c.3988G>A variant is predicted to result in the amino acid substitution p.Ala1330Thr. To our knowledge, this variant has not been reported in the literature or in a large population database (gnomAD), indicating this variant is rare. At this time, the clinical significance of this variant is uncertain due to the absence of conclusive functional and genetic evidence.

NM_001042424.3(NSD2):c.3988G>A (p.Ala1330Thr)

Gene: NSD2 (nuclear receptor binding SET domain protein 2; plus strand). Cytogenetic location: 4p16.3.
Variant type: single nucleotide variant.
Coding change: c.3988G>A on transcript NM_001042424.3 (MANE Select); coding-DNA position 3988, G replaced by A.
Protein change: p.Ala1330Thr; replaces alanine 1330 with threonine.
Molecular consequence: missense variant.
Genome position (GRCh38, 1-based): chr4:1,978,799, G>A. VCF-style: chr4-1978799-G-A. GRCh37 (hg19) VCF-style: chr4-1980526-G-A.
Other names: c.3988G>A, p.Ala1330Thr (NM_133330.3, NM_133331.3, NM_133335.4); short protein forms A1330T.
Identifiers: ClinVar variation 3044854 (VCV003044854.3), dbSNP rs965788333, ClinGen allele CA91299923.